The following is an entry in ClinVar:

ClinVar aggregate classification (germline): Likely pathogenic (0 of 4 stars; one submission).

Conditions:
Ullrich congenital muscular dystrophy 1A. Also called: Ullrich congenital muscular dystrophy 1; Intermediate COL6-RD. Identifiers: Orphanet 75840, MedGen C0410179, MONDO:0009681, OMIM 254090.

Submission:

Diagnostics Division, CENTRE FOR DNA FINGERPRINTING AND DIAGNOSTICS
Classification: Likely pathogenic for Ullrich congenital muscular dystrophy 1A. Last evaluated: 2014-01-01. Review status: no assertion criteria provided. Collection method: research. Allele origin: unknown. Affected: yes. Observed: 1 homozygote.
Comment: Indel variant

NM_001849.4(COL6A2):c.2040dup (p.Ile681fs)

Gene: COL6A2 (collagen type VI alpha 2 chain; plus strand). Cytogenetic location: 21q22.3.
Variant type: Duplication.
Coding change: c.2040dup on transcript NM_001849.4 (MANE Select); coding-DNA position 2040, one base duplicated (T; older notation c.2040dupT).
Protein change: p.Ile681fs; shifts the reading frame from isoleucine 681.
Molecular consequence: frameshift variant.
Genome position (GRCh38, 1-based): chr21:46,125,855, T duplicated. VCF-style (leftmost placement, unchanged base first): chr21-46125854-G-GT. GRCh37 (hg19) VCF-style: chr21-47545768-G-GT.
Other names: c.2040dup, p.Ile681fs (NM_058174.3, NM_058175.3); c.2040dupT (NM_001849.3); short protein forms I681fs.
Identifiers: ClinVar variation 266110 (VCV000266110.3), dbSNP rs886039905, ClinGen allele CA10588991.